The following is an entry in ClinVar:

NM_014633.5(CTR9):c.583G>A (p.Gly195Arg)

Gene: CTR9 (CTR9 component of Paf1/RNA polymerase II complex; plus strand). Cytogenetic location: 11p15.4.
Variant type: single nucleotide variant.
Coding change: c.583G>A on transcript NM_014633.5 (MANE Select); coding-DNA position 583, G replaced by A.
Protein change: p.Gly195Arg; replaces glycine 195 with arginine.
Molecular consequence: missense variant.
Genome position (GRCh38, 1-based): chr11:10,756,829, G>A. VCF-style: chr11-10756829-G-A. GRCh37 (hg19) VCF-style: chr11-10778376-G-A.
Other names: c.583G>A, p.Gly195Arg (NM_001346279.2); short protein forms G195R.
Identifiers: ClinVar variation 3682674 (VCV003682674.2).

ClinVar aggregate classification (germline): Uncertain significance (1 of 4 stars; one submission).

Submission:

Labcorp Genetics (formerly Invitae), Labcorp
Classification: Uncertain significance. Last evaluated: 2025-01-31. Review status: criteria provided, single submitter. Criteria: Invitae Variant Classification Sherloc (09022015). Collection method: clinical testing. Allele origin: germline.
Comment: This sequence change replaces glycine, which is neutral and non-polar, with arginine, which is basic and polar, at codon 195 of the CTR9 protein (p.Gly195Arg). This variant is not present in population databases (gnomAD no frequency). This variant has not been reported in the literature in individuals affected with CTR9-related conditions. An algorithm developed to predict the effect of missense changes on protein structure and function (PolyPhen-2) suggests that this variant is likely to be tolerated. In summary, the available evidence is currently insufficient to determine the role of this variant in disease. Therefore, it has been classified as a Variant of Uncertain Significance.